The following is an entry in ClinVar:

NM_000395.3(CSF2RB):c.1982G>A (p.Gly661Glu)

Gene: CSF2RB (colony stimulating factor 2 receptor subunit beta; plus strand). Cytogenetic location: 22q12.3.
Variant type: single nucleotide variant.
Coding change: c.1982G>A on transcript NM_000395.3 (MANE Select); coding-DNA position 1982, G replaced by A.
Protein change: p.Gly661Glu; replaces glycine 661 with glutamic acid.
Molecular consequence: missense variant.
Genome position (GRCh38, 1-based): chr22:36,937,790, G>A. VCF-style: chr22-36937790-G-A. GRCh37 (hg19) VCF-style: chr22-37333832-G-A.
Other names: short protein forms G661E.
Identifiers: ClinVar variation 1437080 (VCV001437080.8), dbSNP rs1165015711, ClinGen allele CA411410590.

ClinVar aggregate classification (germline): Uncertain significance (1 of 4 stars; one submission).

Allele frequency attached by ClinVar (database versions not stated): gnomAD exomes below 0.00001; gnomAD 0.00001.
gnomAD v4.1: 2 of 1,589,040 alleles (0.00013%); highest among the groups gnomAD compares: Admixed American, 0.0018%; no homozygotes.

Submission:

Labcorp Genetics (formerly Invitae), Labcorp
Classification: Uncertain significance. Last evaluated: 2023-12-19. Review status: criteria provided, single submitter. Criteria: Invitae Variant Classification Sherloc (09022015). Collection method: clinical testing. Allele origin: germline.
Comment: This sequence change replaces glycine, which is neutral and non-polar, with glutamic acid, which is acidic and polar, at codon 661 of the CSF2RB protein (p.Gly661Glu). This variant is present in population databases (no rsID available, gnomAD 0.004%). This variant has not been reported in the literature in individuals affected with CSF2RB-related conditions. ClinVar contains an entry for this variant (Variation ID: 1437080). Advanced modeling of protein sequence and biophysical properties (such as structural, functional, and spatial information, amino acid conservation, physicochemical variation, residue mobility, and thermodynamic stability) performed at Invitae indicates that this missense variant is not expected to disrupt CSF2RB protein function with a negative predictive value of 80%. In summary, the available evidence is currently insufficient to determine the role of this variant in disease. Therefore, it has been classified as a Variant of Uncertain Significance.